The following is an entry in ClinVar:

ClinVar aggregate classification (germline): Uncertain significance (1 of 4 stars; one submission).

Conditions:
Type A2 brachydactyly (BDA2). Also called: Brachymesophalangy type 2; MOHR-WRIEDT TYPE BRACHYDACTYLY; BRACHYMESOPHALANGY II. Identifiers: Orphanet 93396, MedGen C1832702, MONDO:0007216, OMIM 112600, HP:0009372.
Acromesomelic dysplasia 3 (AMD3). Also called: Acromesomelic dysplasia, Demirhan type; CHONDRODYSPLASIA, ACROMESOMELIC, WITH OR WITHOUT GENITAL ANOMALIES. Identifiers: MedGen C4225404, MONDO:0012274, OMIM 609441.

Submission:

Labcorp Genetics (formerly Invitae), Labcorp
Classification: Uncertain significance for Type A2 brachydactyly; Acromesomelic dysplasia 3. Last evaluated: 2021-08-15. Review status: criteria provided, single submitter. Criteria: Invitae Variant Classification Sherloc (09022015). Collection method: clinical testing. Allele origin: germline.
Comment: This sequence change replaces proline with arginine at codon 157 of the BMPR1B protein (p.Pro157Arg). The proline residue is highly conserved and there is a moderate physicochemical difference between proline and arginine. This variant is not present in population databases (ExAC no frequency). This variant has not been reported in the literature in individuals with BMPR1B-related conditions. Advanced modeling of protein sequence and biophysical properties (such as structural, functional, and spatial information, amino acid conservation, physicochemical variation, residue mobility, and thermodynamic stability) performed at Invitae indicates that this missense variant is not expected to disrupt BMPR1B protein function. In summary, the available evidence is currently insufficient to determine the role of this variant in disease. Therefore, it has been classified as a Variant of Uncertain Significance.

NM_001203.3(BMPR1B):c.470C>G (p.Pro157Arg)

Gene: BMPR1B (bone morphogenetic protein receptor type 1B; plus strand). Cytogenetic location: 4q22.3.
Variant type: single nucleotide variant.
Coding change: c.470C>G on transcript NM_001203.3 (MANE Select); coding-DNA position 470, C replaced by G.
Protein change: p.Pro157Arg; replaces proline 157 with arginine.
Molecular consequence: missense variant.
Genome position (GRCh38, 1-based): chr4:95,125,006, C>G. VCF-style: chr4-95125006-C-G. GRCh37 (hg19) VCF-style: chr4-96046157-C-G.
Other names: c.470C>G, p.Pro157Arg (NM_001256792.2, NM_001256794.1); c.560C>G, p.Pro187Arg (NM_001256793.2); short protein forms P157R, P187R.
Identifiers: ClinVar variation 1398984 (VCV001398984.8), dbSNP rs2149292391, ClinGen allele CA357680148.
Genomic context (GRCh38, chr4:95,125,006, plus strand): 5'-TCATTATCTAAAATTATCTTCATCTATCCATCTTTAGGTATAAAAGACAAGAAACCAGAC[C>G]TCGATACAGCATTGGGTTAGAACAGGATGAAACTTACATTCCTCCTGGAGAATCCCTGAG-3'
Protein context (NP_001194.1, residues 147-167): YFRYKRQETR[Pro157Arg]RYSIGLEQDE